The following is an entry in ClinVar:

NM_078470.6(COX15):c.112T>C (p.Leu38=)

Gene: COX15 (cytochrome c oxidase assembly homolog COX15; minus strand). Cytogenetic location: 10q24.2.
Variant type: single nucleotide variant.
Coding change: c.112T>C on transcript NM_078470.6 (MANE Select); coding-DNA position 112, T replaced by C.
Protein change: p.Leu38=; no amino-acid change (leucine 38 retained).
Molecular consequence: synonymous variant. On other transcripts: 5 prime UTR variant (1), non-coding transcript variant (1).
Genome position (GRCh38, 1-based): chr10:99,729,713, A>G on the plus strand (T>C on the coding strand, the complement: COX15 is on the minus strand). VCF-style: chr10-99729713-A-G. GRCh37 (hg19) VCF-style: chr10-101489470-A-G.
Other names: c.112T>C, p.Leu38= (NM_001320974.2, NM_001320975.2, NM_001372024.1 and 5 more transcripts); c.-343T>C (NM_001320976.2).
Identifiers: ClinVar variation 3030231 (VCV003030231.2), dbSNP rs1485407116, ClinGen allele CA471125947.
Genomic context (GRCh38, chr10:99,729,713, plus strand): 5'-CTGTACCCCTTCCAGATTGCAAAGCTACTTCAGAGATGGTGCTGTATTGCCCTGGCCTCA[A>G]AGGGCGCCTGATGCAATCACACTAAAGATCAAGATAGACAAATTACAACTGGAGAAACAG-3'
Protein context (NP_510870.1, residues 28-48): RAQCDCIRRP[Leu38=]RPGQYSTISE

ClinVar aggregate classification (germline): Likely benign (0 of 4 stars; one submission).

Conditions:
COX15-related disorder. Also called: COX15-related condition.

Allele frequency attached by ClinVar (database versions not stated): gnomAD 0.00001; TOPMed 0.00001.
gnomAD v4.1: 2 of 1,614,032 alleles (0.00012%); highest among the groups gnomAD compares: African/African-American, 0.0027%; no homozygotes.

Submission:

PreventionGenetics, part of Exact Sciences
Classification: Likely benign for COX15-related condition. Last evaluated: 2021-02-03. Review status: no assertion criteria provided. Collection method: clinical testing. Allele origin: germline.
Comment: This variant is classified as likely benign based on ACMG/AMP sequence variant interpretation guidelines (Richards et al. 2015 PMID: 25741868, with internal and published modifications).